The following is an entry in ClinVar:

ClinVar aggregate classification (germline): Uncertain significance. Review status: criteria provided, multiple submitters, no conflicts (2 of 4 stars). 2 submissions from 2 submitters: Uncertain significance (2). Last evaluated 2024-01-02.

Conditions:
BNAR syndrome. Also called: Bifid Nose With or Without Anorectal and Renal Anomalies (BNAR) Syndrome. Identifiers: Orphanet 217266, MedGen C2750433, MONDO:0012165, OMIM 608980.
Oculotrichoanal syndrome (MOTA). Also called: MARLES SYNDROME; Manitoba Oculotrichoanal (MOTA) Syndrome. Identifiers: Orphanet 2717, MedGen C1855425, MONDO:0009560, OMIM 248450.
Trigonocephaly 2 (TRIGNO2). Identifiers: Orphanet 3366, MedGen C3280974, MONDO:0013774, OMIM 614485.

gnomAD v4.1: 9 of 1,593,576 alleles (0.00056%); highest among the groups gnomAD compares: Non-Finnish European, 0.00068%; no homozygotes.

Submissions (2):

Fulgent Genetics
Classification: Uncertain significance for Oculotrichoanal syndrome; BNAR syndrome; Trigonocephaly 2. Last evaluated: 2024-01-02. Review status: criteria provided, single submitter. Criteria: ACMG Guidelines, 2015. Collection method: clinical testing. Allele origin: germline.

Illumina Laboratory Services, Illumina
Classification: Uncertain significance for Oculotrichoanal syndrome. Last evaluated: 2017-04-28. Review status: criteria provided, single submitter. Criteria: ICSL Variant Classification Criteria 13 December 2019. Collection method: clinical testing. Allele origin: germline.
Comment: This variant was observed as part of a predisposition screen in an ostensibly healthy population. A literature search was performed for the gene, cDNA change, and amino acid change (where applicable). Publications were found based on this search. However, the evidence from the literature, in combination with allele frequency data from public databases where available, was not sufficient to rule this variant in or out of causing disease. Therefore, this variant is classified as a variant of unknown significance.

Literature cited by the submitters: PubMed 23333812 (cited by Illumina Laboratory Services, Illumina).

NM_001379081.2(FREM1):c.3875G>T (p.Arg1292Leu)

Gene: FREM1 (FRAS1 related extracellular matrix 1; minus strand). Cytogenetic location: 9p22.3.
Variant type: single nucleotide variant.
Coding change: c.3875G>T on transcript NM_001379081.2 (MANE Select); coding-DNA position 3875, G replaced by T.
Protein change: p.Arg1292Leu; replaces arginine 1292 with leucine.
Molecular consequence: missense variant. On other transcripts: non-coding transcript variant (2).
Genome position (GRCh38, 1-based): chr9:14,792,849, C>A on the plus strand (G>T on the coding strand, the complement: FREM1 is on the minus strand). VCF-style: chr9-14792849-C-A. GRCh37 (hg19) VCF-style: chr9-14792847-C-A.
Other names: c.3875G>T, p.Arg1292Leu (NM_144966.7); short protein forms R1292L.
Identifiers: ClinVar variation 912725 (VCV000912725.5), dbSNP rs41265308, ClinGen allele CA372967117.